The following is an entry in ClinVar:

NM_152594.3(SPRED1):c.683G>A (p.Arg228Lys)

Gene: SPRED1 (sprouty related EVH1 domain containing 1; plus strand). Cytogenetic location: 15q14.
Variant type: single nucleotide variant.
Coding change: c.683G>A on transcript NM_152594.3 (MANE Select); coding-DNA position 683, G replaced by A.
Protein change: p.Arg228Lys; replaces arginine 228 with lysine.
Molecular consequence: missense variant.
Genome position (GRCh38, 1-based): chr15:38,349,522, G>A. VCF-style: chr15-38349522-G-A. GRCh37 (hg19) VCF-style: chr15-38641723-G-A.
Other names: short protein forms R228K.
Identifiers: ClinVar variation 575146 (VCV000575146.10), dbSNP rs951963194, ClinGen allele CA269293280.

ClinVar aggregate classification (germline): Uncertain significance. Review status: criteria provided, multiple submitters, no conflicts (2 of 4 stars). 2 submissions from 2 submitters: Uncertain significance (2). Last evaluated 2026-03-19.

Conditions:
Cardiovascular phenotype. Identifiers: MedGen CN230736.
Legius syndrome. Identifiers: Orphanet 137605, MedGen C1969623, MONDO:0012669, OMIM 611431. Disease mechanism: loss of function.

Allele frequency attached by ClinVar (database versions not stated): TOPMed 0.00002; gnomAD exomes 0.00001; gnomAD 0.00001.
gnomAD v4.1: 10 of 1,597,778 alleles (0.00063%); highest among the groups gnomAD compares: Admixed American, 0.0033%; no homozygotes.

Submissions (2):

Ambry Genetics
Classification: Uncertain significance for Cardiovascular phenotype. Last evaluated: 2026-03-19. Review status: criteria provided, single submitter. Criteria: Ambry Variant Classification Scheme 2023. Collection method: clinical testing. Allele origin: germline.

Labcorp Genetics (formerly Invitae), Labcorp
Classification: Uncertain significance for Legius syndrome. Last evaluated: 2024-04-10. Review status: criteria provided, single submitter. Criteria: Invitae Variant Classification Sherloc (09022015). Collection method: clinical testing. Allele origin: germline.
Comment: This sequence change replaces arginine, which is basic and polar, with lysine, which is basic and polar, at codon 228 of the SPRED1 protein (p.Arg228Lys). This variant is not present in population databases (gnomAD no frequency). This variant has not been reported in the literature in individuals affected with SPRED1-related conditions. ClinVar contains an entry for this variant (Variation ID: 575146). Advanced modeling performed at Invitae incorporating data from internal and/or published experimental studies (Invitae) indicates that this missense variant is not expected to disrupt SPRED1 function with a negative predictive value of 95%. In summary, the available evidence is currently insufficient to determine the role of this variant in disease. Therefore, it has been classified as a Variant of Uncertain Significance.